The following is an entry in ClinVar:

ClinVar aggregate classification (germline): Uncertain significance (1 of 4 stars; one submission).

Conditions:
Seizures, benign familial infantile, 3 (BFIS3). Also called: Familial neonatal seizures; CONVULSIONS, BENIGN FAMILIAL INFANTILE, 3. Identifiers: Orphanet 140927, Orphanet 306, MedGen C1843140, MONDO:0011904, OMIM 607745.
Developmental and epileptic encephalopathy, 11 (DEE11). Also called: Early infantile epileptic encephalopathy 11. Identifiers: Orphanet 1934, MedGen C3150987, MONDO:0013388, OMIM 613721.

Allele frequency attached by ClinVar (database versions not stated): gnomAD exomes below 0.00001; gnomAD 0.00001.
gnomAD v4.1: 1 of 1,613,550 alleles (0.000062%); highest among the groups gnomAD compares: South Asian, 0.0011%; no homozygotes.

Submission:

Labcorp Genetics (formerly Invitae), Labcorp
Classification: Uncertain significance for Seizures, benign familial infantile, 3; Developmental and epileptic encephalopathy, 11. Last evaluated: 2024-04-08. Review status: criteria provided, single submitter. Criteria: Invitae Variant Classification Sherloc (09022015). Collection method: clinical testing. Allele origin: germline.
Comment: This sequence change replaces glutamic acid, which is acidic and polar, with glycine, which is neutral and non-polar, at codon 1129 of the SCN2A protein (p.Glu1129Gly). This variant is present in population databases (no rsID available, gnomAD 0.003%). This variant has not been reported in the literature in individuals affected with SCN2A-related conditions. ClinVar contains an entry for this variant (Variation ID: 1521353). Advanced modeling of protein sequence and biophysical properties (such as structural, functional, and spatial information, amino acid conservation, physicochemical variation, residue mobility, and thermodynamic stability) performed at Invitae indicates that this missense variant is not expected to disrupt SCN2A protein function with a negative predictive value of 95%. In summary, the available evidence is currently insufficient to determine the role of this variant in disease. Therefore, it has been classified as a Variant of Uncertain Significance.

NM_001040142.2(SCN2A):c.3386A>G (p.Glu1129Gly)

Gene: SCN2A (sodium voltage-gated channel alpha subunit 2; plus strand). Cytogenetic location: 2q24.3.
Variant type: single nucleotide variant.
Coding change: c.3386A>G on transcript NM_001040142.2 (MANE Select); coding-DNA position 3386, A replaced by G.
Protein change: p.Glu1129Gly; replaces glutamic acid 1129 with glycine.
Molecular consequence: missense variant.
Genome position (GRCh38, 1-based): chr2:165,354,658, A>G. VCF-style: chr2-165354658-A-G. GRCh37 (hg19) VCF-style: chr2-166211168-A-G.
Other names: c.3386A>G, p.Glu1129Gly (NM_001040143.2, NM_001371246.1, NM_001371247.1 and 1 more transcripts); short protein forms E1129G.
Identifiers: ClinVar variation 1521353 (VCV001521353.6), dbSNP rs1423695098, ClinGen allele CA349022049.